The following is an entry in ClinVar:

NM_001317078.4(MED19):c.75A>C (p.Pro25=)

Genes: MED19 (mediator complex subunit 19; minus strand), LOC130005722 (ATAC-STARR-seq lymphoblastoid silent region 3357; plus strand). Cytogenetic location: 11q12.1.
Variant type: single nucleotide variant.
Coding change: c.75A>C on transcript NM_001317078.4 (MANE Select); coding-DNA position 75, A replaced by C.
Protein change: p.Pro25=; no amino-acid change (proline 25 retained).
Molecular consequence: synonymous variant. On other transcripts: non-coding transcript variant (1).
Genome position (GRCh38, 1-based): chr11:57,712,105, T>G on the plus strand (A>C on the coding strand, the complement: MED19 is on the minus strand). VCF-style: chr11-57712105-T-G. GRCh37 (hg19) VCF-style: chr11-57479577-T-G.
Other names: c.75A>C, p.Pro25= (NM_153450.4).
Identifiers: ClinVar variation 4823187 (VCV004823187.4).

ClinVar aggregate classification (germline): Likely benign (1 of 4 stars; one submission).

Submission:

CeGaT Center for Human Genetics Tuebingen
Classification: Likely benign. Last evaluated: 2026-01-01. Review status: criteria provided, single submitter. Criteria: CeGaT Center For Human Genetics Tuebingen Variant Classification Criteria Version 2. Collection method: clinical testing. Allele origin: germline. Affected: yes. Observed: 1 variant allele.
Comment: MED19: PM2:Supporting, BP4, BP7